The following is an entry in ClinVar:

NM_014391.3(ANKRD1):c.651+3A>G

Gene: ANKRD1 (ankyrin repeat domain 1; minus strand). Cytogenetic location: 10q23.31.
Variant type: single nucleotide variant.
Coding change: c.651+3A>G on transcript NM_014391.3 (MANE Select); 3 bases into the intron after coding-DNA position 651, A replaced by G.
Molecular consequence: intron variant.
Genome position (GRCh38, 1-based): chr10:90,916,168, T>C on the plus strand (A>G on the coding strand, the complement: ANKRD1 is on the minus strand). VCF-style: chr10-90916168-T-C. GRCh37 (hg19) VCF-style: chr10-92675925-T-C.
Identifiers: ClinVar variation 4842260 (VCV004842260.1).

ClinVar aggregate classification (germline): Uncertain significance (1 of 4 stars; one submission).

Conditions:
Cardiovascular phenotype. Identifiers: MedGen CN230736.

Submission:

Ambry Genetics
Classification: Uncertain significance for Cardiovascular phenotype. Last evaluated: 2026-01-22. Review status: criteria provided, single submitter. Criteria: Ambry Variant Classification Scheme 2023. Collection method: clinical testing. Allele origin: germline.
Comment: The c.651+3A>G intronic variant results from an A to G substitution 3 nucleotides after coding exon 6 in the ANKRD1 gene. This nucleotide position is highly conserved in available vertebrate species. In silico splice site analysis predicts that this alteration may weaken the native splice donor site. The evidence for this gene-disease relationship is limited; therefore, the clinical significance of this variant is unclear.